The following is an entry in ClinVar:

NM_006044.4(HDAC6):c.3407G>A (p.Cys1136Tyr)

Gene: HDAC6 (histone deacetylase 6; plus strand). Cytogenetic location: Xp11.23.
Variant type: single nucleotide variant.
Coding change: c.3407G>A on transcript NM_006044.4 (MANE Select); coding-DNA position 3407, G replaced by A.
Protein change: p.Cys1136Tyr; replaces cysteine 1136 with tyrosine.
Molecular consequence: missense variant. On other transcripts: non-coding transcript variant (1).
Genome position (GRCh38, 1-based): chrX:48,824,025, G>A. VCF-style: chrX-48824025-G-A. GRCh37 (hg19) VCF-style: chrX-48682435-G-A.
Other names: c.3449G>A, p.Cys1150Tyr (NM_001321225.2); c.3407G>A, p.Cys1136Tyr (NM_001321226.2, NM_001321227.2, NM_001321228.2 and 1 more transcripts); short protein forms C1136Y, C1150Y.
Identifiers: ClinVar variation 3344407 (VCV003344407.1).

ClinVar aggregate classification (germline): Uncertain significance (0 of 4 stars; one submission).

Conditions:
HDAC6-related disorder. Also called: HDAC6-related condition.

Submission:

PreventionGenetics, part of Exact Sciences
Classification: Uncertain significance for HDAC6-related condition. Last evaluated: 2024-08-16. Review status: no assertion criteria provided. Collection method: clinical testing. Allele origin: germline.
Comment: The HDAC6 c.3407G>A variant is predicted to result in the amino acid substitution p.Cys1136Tyr. To our knowledge, this variant has not been reported in the literature or in a large population database, indicating this variant is rare. At this time, the clinical significance of this variant is uncertain due to the absence of conclusive functional and genetic evidence.